The following is an entry in ClinVar:

ClinVar aggregate classification (germline): Uncertain significance. Review status: criteria provided, multiple submitters, no conflicts (2 of 4 stars). 2 submissions from 2 submitters: Uncertain significance (2). Last evaluated 2025-02-22.

Conditions:
Inborn genetic diseases. Identifiers: MedGen C0950123, MeSH D030342.

Allele frequency attached by ClinVar (database versions not stated): gnomAD exomes 0.00001.
gnomAD v4.1: 8 of 1,614,222 alleles (0.0005%); highest among the groups gnomAD compares: Non-Finnish European, 0.00068%; no homozygotes.

Submissions (2):

Mayo Clinic Laboratories, Mayo Clinic
Classification: Uncertain significance. Last evaluated: 2025-02-22. Review status: criteria provided, single submitter. Criteria: ACMG Guidelines, 2015. Collection method: clinical testing. Allele origin: germline. Observed: 1 variant allele.
Comment: BP4, PM2_supporting

Ambry Genetics
Classification: Uncertain significance for Inborn genetic diseases. Last evaluated: 2023-12-17. Review status: criteria provided, single submitter. Criteria: Ambry Variant Classification Scheme 2023. Collection method: clinical testing. Allele origin: germline.

NM_015378.4(VPS13D):c.1063A>G (p.Lys355Glu)

Gene: VPS13D (vacuolar protein sorting 13 homolog D; plus strand). Cytogenetic location: 1p36.22.
Variant type: single nucleotide variant.
Coding change: c.1063A>G on transcript NM_015378.4 (MANE Select); coding-DNA position 1063, A replaced by G.
Protein change: p.Lys355Glu; replaces lysine 355 with glutamic acid.
Molecular consequence: missense variant.
Genome position (GRCh38, 1-based): chr1:12,258,056, A>G. VCF-style: chr1-12258056-A-G. GRCh37 (hg19) VCF-style: chr1-12318113-A-G.
Other names: p.Lys355Glu; c.1063A>G, p.Lys355Glu (NM_018156.4); short protein forms K355E.
Identifiers: ClinVar variation 3188795 (VCV003188795.2), dbSNP rs2523928985, ClinGen allele CA338461049.